The following is an entry in ClinVar:

NM_021252.5(RAB18):c.*2449A>G

Gene: RAB18 (RAB18, member RAS oncogene family; plus strand). Cytogenetic location: 10p12.1.
Variant type: single nucleotide variant.
Coding change: c.*2449A>G on transcript NM_021252.5 (MANE Select); 2449 bases downstream of the stop codon, A replaced by G.
Molecular consequence: 3 prime UTR variant. On other transcripts: non-coding transcript variant (1).
Genome position (GRCh38, 1-based): chr10:27,540,500, A>G. VCF-style: chr10-27540500-A-G. GRCh37 (hg19) VCF-style: chr10-27829429-A-G.
Other names: c.*2449A>G (NM_001256410.2, NM_001256412.2); c.*2409A>G (NM_001256411.2).
Identifiers: ClinVar variation 299856 (VCV000299856.5), dbSNP rs12260532, ClinGen allele CA5452546.

ClinVar aggregate classification (germline): Benign (1 of 4 stars; one submission).

Conditions:
Warburg micro syndrome 3 (WARBM3). Also called: MICRO SYNDROME 3. Identifiers: Orphanet 2510, MedGen C3280203, MONDO:0013638, OMIM 614222.

Allele frequency attached by ClinVar (database versions not stated): ExAC 0.00195; gnomAD exomes 0.00498 and 0.00813; gnomAD 0.03694 and 0.03947; TOPMed 0.04154; 1000 Genomes Project 0.04393; 1000 Genomes Project 30x 0.04934.
gnomAD v4.1: 7,133 of 454,040 alleles (1.6%); highest among the groups gnomAD compares: African/African-American, 13%; 402 homozygotes.

Submission:

Illumina Laboratory Services, Illumina
Classification: Benign for Warburg micro syndrome 3. Last evaluated: 2018-01-12. Review status: criteria provided, single submitter. Criteria: ICSL Variant Classification Criteria 13 December 2019. Collection method: clinical testing. Allele origin: germline.
Comment: This variant was observed in the ICSL laboratory as part of a predisposition screen in an ostensibly healthy population. It had not been previously curated by ICSL or reported in the Human Gene Mutation Database (HGMD: prior to June 1st, 2018), and was therefore a candidate for classification through an automated scoring system. Utilizing variant allele frequency, disease prevalence and penetrance estimates, and inheritance mode, an automated score was calculated to assess if this variant is too frequent to cause the disease. Based on the score and internal cut-off values, a variant classified as benign is not then subjected to further curation. The score for this variant resulted in a classification of benign for this disease.